The following is an entry in ClinVar:

NM_001386393.1(PANK2):c.887A>G (p.Lys296Arg)

Gene: PANK2 (pantothenate kinase 2; plus strand). Cytogenetic location: 20p13.
Variant type: single nucleotide variant.
Coding change: c.887A>G on transcript NM_001386393.1 (MANE Select); coding-DNA position 887, A replaced by G.
Protein change: p.Lys296Arg; replaces lysine 296 with arginine.
Molecular consequence: missense variant. On other transcripts: 5 prime UTR variant (1), non-coding transcript variant (1).
Genome position (GRCh38, 1-based): chr20:3,910,812, A>G. VCF-style: chr20-3910812-A-G. GRCh37 (hg19) VCF-style: chr20-3891459-A-G.
Other names: p.Lys406Arg; c.1217A>G (NM_153638.3); c.344A>G, p.Lys115Arg (NM_001324191.2, NM_024960.6, NM_153640.4); c.-92A>G (NM_001324193.2); c.1217A>G, p.Lys406Arg (NM_153638.4); short protein forms K406R, K115R, K296R.
Identifiers: ClinVar variation 1508299 (VCV001508299.6), dbSNP rs763608502, ClinGen allele CA9750787.

ClinVar aggregate classification (germline): Uncertain significance. Review status: criteria provided, multiple submitters, no conflicts (2 of 4 stars). 2 submissions from 2 submitters: Uncertain significance (2). Last evaluated 2025-10-18.

Conditions:
Pigmentary pallidal degeneration (NBIA1). Also called: Pantothenate Kinase-Associated Neurodegeneration; HARP SYNDROME; Neuroaxonal dystrophy, late infantile; Hallervorden-Spatz disease; Neurodegeneration with brain iron accumulation 1; PKAN NEUROAXONAL DYSTROPHY, JUVENILE-ONSET. Identifiers: Orphanet 157850, MedGen C0018523, MONDO:0009319, OMIM 234200.

Allele frequency attached by ClinVar (database versions not stated): gnomAD 0.00009 and 0.00010; gnomAD exomes 0.00009 and 0.00017; TOPMed 0.00009; ExAC 0.00012.

Submissions (2):

Mayo Clinic Laboratories, Mayo Clinic
Classification: Uncertain significance. Last evaluated: 2025-10-18. Review status: criteria provided, single submitter. Criteria: ACMG Guidelines, 2015. Collection method: clinical testing. Allele origin: germline. Observed: 1 variant allele.
Comment: BS1

Labcorp Genetics (formerly Invitae), Labcorp
Classification: Uncertain significance for Pigmentary pallidal degeneration. Last evaluated: 2022-05-18. Review status: criteria provided, single submitter. Criteria: Invitae Variant Classification Sherloc (09022015). Collection method: clinical testing. Allele origin: germline.
Comment: This sequence change replaces lysine, which is basic and polar, with arginine, which is basic and polar, at codon 406 of the PANK2 protein (p.Lys406Arg). This variant is present in population databases (rs763608502, gnomAD 0.2%). This variant has not been reported in the literature in individuals affected with PANK2-related conditions. Algorithms developed to predict the effect of missense changes on protein structure and function (SIFT, PolyPhen-2, Align-GVGD) all suggest that this variant is likely to be tolerated. In summary, the available evidence is currently insufficient to determine the role of this variant in disease. Therefore, it has been classified as a Variant of Uncertain Significance.

Literature cited by the submitters: PubMed 35861376 (cited by Mayo Clinic Laboratories, Mayo Clinic).